The following is an entry in ClinVar:

NM_000381.4(MID1):c.1888G>A (p.Asp630Asn)

Genes: MID1 (midline 1; minus strand), LOC126863207 (BRD4-independent group 4 enhancer GRCh37_chrX:10416979-10418178; plus strand). Cytogenetic location: Xp22.2.
Variant type: single nucleotide variant.
Coding change: c.1888G>A on transcript NM_000381.4 (MANE Select); coding-DNA position 1888, G replaced by A.
Protein change: p.Asp630Asn; replaces aspartic acid 630 with asparagine.
Molecular consequence: missense variant.
Genome position (GRCh38, 1-based): chrX:10,449,484, C>T on the plus strand (G>A on the coding strand, the complement: MID1 is on the minus strand). VCF-style: chrX-10449484-C-T. GRCh37 (hg19) VCF-style: chrX-10417524-C-T.
Other names: c.1888G>A, p.Asp630Asn (NM_001098624.2, NM_001193277.1, NM_001347733.2 and 1 more transcripts); c.1774G>A, p.Asp592Asn (NM_033289.2); short protein forms D630N, D592N.
Identifiers: ClinVar variation 632893 (VCV000632893.2), dbSNP rs150291968, ClinGen allele CA326619964.
Genomic context (GRCh38, chrX:10,449,484, plus strand): 5'-TCGTCAGACACTTGTTCCACACGGTGAAGGTGGGGCAAACAGGCTGCGCAAATGCGACGT[C>T]GAAGGTGTAGAGGTGGATGGAGTTCAAAGCATCATAAAAGGCGATAGAGCCGTTATCATA-3'
Protein context (NP_000372.1, residues 620-640): ALNSIHLYTF[Asp630Asn]VAFAQPVCPT

ClinVar aggregate classification (germline): Uncertain significance. Review status: criteria provided, multiple submitters, no conflicts (2 of 4 stars). 2 submissions from 2 submitters: Uncertain significance (2). Last evaluated 2025-03-22.

Conditions:
MID1-related disorder. Also called: MID1-related condition.

Allele frequency attached by ClinVar (database versions not stated): TOPMed 0.00002; gnomAD 0.00003; ESP Exome Variant Server 0.00009.
gnomAD v4.1: 7 of 1,209,780 alleles (0.00058%); highest among the groups gnomAD compares: Non-Finnish European, 0.00078%; no homozygotes.

Submissions (2):

PreventionGenetics, part of Exact Sciences
Classification: Uncertain significance for MID1-related condition. Last evaluated: 2025-03-22. Review status: criteria provided, single submitter. Criteria: ACMG Guidelines, 2015. Collection method: clinical testing. Allele origin: germline.
Comment: The MID1 c.1888G>A variant is predicted to result in the amino acid substitution p.Asp630Asn. To our knowledge, this variant has not been reported in the literature or in a large population database (gnomAD), indicating this variant is rare. At this time, the clinical significance of this variant is uncertain due to the absence of conclusive functional and genetic evidence.

Women's Health and Genetics/Laboratory Corporation of America, LabCorp
Classification: Uncertain significance. Last evaluated: 2018-06-19. Review status: criteria provided, single submitter. Criteria: LabCorp Variant Classification Summary - May 2015. Collection method: clinical testing. Allele origin: germline.
Comment: Variant summary: MID1 c.1888G>A (p.Asp630Asn) results in a conservative amino acid change located in the SPRY domain of the encoded protein sequence. Four of five in-silico tools predict a benign effect of the variant on protein function. The variant was absent in 178285 control chromosomes (gnomAD). The available data on variant occurrences in the general population are insufficient to allow any conclusion about variant significance. To our knowledge, no occurrence of c.1888G>A in individuals affected with Opitz-Frias syndrome and no experimental evidence demonstrating its impact on protein function have been reported. No clinical diagnostic laboratories have submitted clinical-significance assessments for this variant to ClinVar after 2014. Based on the evidence outlined above, the variant was classified as uncertain significance.